The following is an entry in ClinVar:

ClinVar aggregate classification (germline): Uncertain significance. Review status: criteria provided, multiple submitters, no conflicts (2 of 4 stars). 4 submissions from 4 submitters: Uncertain significance (4). Last evaluated 2025-07-30.

Conditions:
Baller-Gerold syndrome (BGS). Also called: CRANIOSYNOSTOSIS WITH RADIAL DEFECTS. Identifiers: Orphanet 1225, MedGen C0265308, MONDO:0009039, OMIM 218600.
Rapadilino syndrome. Identifiers: Orphanet 3021, MedGen C1849453, MONDO:0009955, OMIM 266280.
Rothmund-Thomson syndrome type 2 (RTS2). Identifiers: Orphanet 221016, MedGen C5203410, MONDO:0016369, OMIM 268400.
Inborn genetic diseases. Identifiers: MedGen C0950123, MeSH D030342.

Allele frequency attached by ClinVar (database versions not stated): ExAC 0.00002; gnomAD 0.00002 and 0.00003; gnomAD exomes 0.00002; TOPMed 0.00002.
gnomAD v4.1: 28 of 1,612,048 alleles (0.0017%); highest among the groups gnomAD compares: East Asian, 0.0089%; no homozygotes.

Submissions (4):

Labcorp Genetics (formerly Invitae), Labcorp
Classification: Uncertain significance for Baller-Gerold syndrome. Last evaluated: 2025-07-30. Review status: criteria provided, single submitter. Criteria: Invitae Variant Classification Sherloc (09022015). Collection method: clinical testing. Allele origin: germline.
Comment: This sequence change replaces arginine, which is basic and polar, with cysteine, which is neutral and slightly polar, at codon 623 of the RECQL4 protein (p.Arg623Cys). This variant is present in population databases (rs772515188, gnomAD 0.02%). This variant has not been reported in the literature in individuals affected with RECQL4-related conditions. ClinVar contains an entry for this variant (Variation ID: 655316). Invitae Evidence Modeling of protein sequence and biophysical properties (such as structural, functional, and spatial information, amino acid conservation, physicochemical variation, residue mobility, and thermodynamic stability) indicates that this missense variant is expected to disrupt RECQL4 protein function with a positive predictive value of 80%. In summary, the available evidence is currently insufficient to determine the role of this variant in disease. Therefore, it has been classified as a Variant of Uncertain Significance.

Ambry Genetics
Classification: Uncertain significance for Inborn genetic diseases. Last evaluated: 2024-11-22. Review status: criteria provided, single submitter. Criteria: Ambry Variant Classification Scheme 2023. Collection method: clinical testing. Allele origin: germline.
Comment: The p.R623C variant (also known as c.1867C>T), located in coding exon 11 of the RECQL4 gene, results from a C to T substitution at nucleotide position 1867. The arginine at codon 623 is replaced by cysteine, an amino acid with highly dissimilar properties. This amino acid position is conserved. In addition, the in silico prediction for this alteration is inconclusive. Based on the available evidence, the clinical significance of this variant remains unclear.

Fulgent Genetics
Classification: Uncertain significance for Baller-Gerold syndrome; Rapadilino syndrome; Rothmund-Thomson syndrome type 2. Last evaluated: 2021-07-28. Review status: criteria provided, single submitter. Criteria: ACMG Guidelines, 2015. Collection method: clinical testing. Allele origin: unknown.

GeneDx
Classification: Uncertain significance. Last evaluated: 2019-05-01. Review status: criteria provided, single submitter. Criteria: GeneDx Variant Classification Process June 2021. Collection method: clinical testing. Allele origin: germline. Affected: yes.
Comment: In silico analysis, which includes protein predictors and evolutionary conservation, supports a deleterious effect; Has not been previously published as pathogenic or benign to our knowledge

NM_004260.4(RECQL4):c.1867C>T (p.Arg623Cys)

Gene: RECQL4 (RecQ like helicase 4; minus strand). Cytogenetic location: 8q24.3.
Variant type: single nucleotide variant.
Coding change: c.1867C>T on transcript NM_004260.4 (MANE Select); coding-DNA position 1867, C replaced by T.
Protein change: p.Arg623Cys; replaces arginine 623 with cysteine.
Molecular consequence: missense variant.
Genome position (GRCh38, 1-based): chr8:144,514,200, G>A on the plus strand (C>T on the coding strand, the complement: RECQL4 is on the minus strand). VCF-style: chr8-144514200-G-A. GRCh37 (hg19) VCF-style: chr8-145739584-G-A.
Other names: short protein forms R623C.
Identifiers: ClinVar variation 655316 (VCV000655316.11), dbSNP rs772515188, ClinGen allele CA4948630.
Genomic context (GRCh38, chr8:144,514,200, plus strand): 5'-CCAGCCCATCCCGGCCCTGGCCGCCCACCCCAGTTCACATATGGCTCACCTTGCAGACGC[G>A]CAGGTAGCAGGGCCGGAAGTTGTGGGACCACTGGGAGAGGCAGTGGGCCTCATCAATGCA-3'
Protein context (NP_004251.4, residues 613-633): WSHNFRPCYL[Arg623Cys]VCKVLRERMG